The following is an entry in ClinVar:

NM_198525.3(KIF7):c.355A>G (p.Ile119Val)

Gene: KIF7 (kinesin family member 7; minus strand). Cytogenetic location: 15q26.1.
Variant type: single nucleotide variant.
Coding change: c.355A>G on transcript NM_198525.3 (MANE Select); coding-DNA position 355, A replaced by G.
Protein change: p.Ile119Val; replaces isoleucine 119 with valine.
Molecular consequence: missense variant.
Genome position (GRCh38, 1-based): chr15:89,649,915, T>C on the plus strand (A>G on the coding strand, the complement: KIF7 is on the minus strand). VCF-style: chr15-89649915-T-C. GRCh37 (hg19) VCF-style: chr15-90193146-T-C.
Other names: short protein forms I119V.
Identifiers: ClinVar variation 392049 (VCV000392049.15), dbSNP rs761226001, ClinGen allele CA7728645.

ClinVar aggregate classification (germline): Conflicting classifications of pathogenicity. Review status: criteria provided, conflicting classifications (1 of 4 stars). 7 submissions from 7 submitters: Uncertain significance (5); Likely benign (2). Last evaluated 2025-07-07.

Conditions:
Acrocallosal syndrome (ACLS). Also called: HALLUX DUPLICATION, POSTAXIAL POLYDACTYLY, AND ABSENCE OF CORPUS CALLOSUM; Schinzel syndrome 1; Absence of corpus callosum with unusual facial appearance, mental deficiency, duplication of the halluces and polydactyly. Identifiers: Orphanet 36, MedGen C0796147, MONDO:0008708, OMIM 200990.
Hydrolethalus syndrome 2 (HLS2). Identifiers: Orphanet 2189, MedGen C3279899, MONDO:0013585, OMIM 614120.
Multiple epiphyseal dysplasia, Al-Gazali type. Also called: Macrocephaly with multiple epiphyseal dysplasia and distinctive facies. Identifiers: Orphanet 166024, MedGen C1846722, MONDO:0011778, OMIM 607131.
KIF7-related disorder. Also called: KIF7-related condition.

Allele frequency attached by ClinVar (database versions not stated): ExAC 0.00005; gnomAD exomes 0.00011 and 0.00019; TOPMed 0.00026; gnomAD 0.00028 and 0.00029.
gnomAD v4.1: 100 of 1,551,436 alleles (0.0064%); highest among the groups gnomAD compares: Admixed American, 0.19%; 1 homozygote.

Submissions (7):

PreventionGenetics, part of Exact Sciences
Classification: Likely benign for KIF7-related condition. Last evaluated: 2025-07-07. Review status: criteria provided, single submitter. Criteria: ACMG Guidelines, 2015. Collection method: clinical testing. Allele origin: germline.
Comment: This variant is classified as likely benign based on ACMG/AMP sequence variant interpretation guidelines (Richards et al. 2015 PMID: 25741868, with internal and published modifications).

Labcorp Genetics (formerly Invitae), Labcorp
Classification: Uncertain significance for Acrocallosal syndrome. Last evaluated: 2024-11-05. Review status: criteria provided, single submitter. Criteria: Invitae Variant Classification Sherloc (09022015). Collection method: clinical testing. Allele origin: germline.
Comment: This sequence change replaces isoleucine, which is neutral and non-polar, with valine, which is neutral and non-polar, at codon 119 of the KIF7 protein (p.Ile119Val). This variant is present in population databases (rs761226001, gnomAD 0.1%). This variant has not been reported in the literature in individuals affected with KIF7-related conditions. ClinVar contains an entry for this variant (Variation ID: 392049). An algorithm developed to predict the effect of missense changes on protein structure and function outputs the following: PolyPhen-2: "Benign". The valine amino acid residue is found in multiple mammalian species, which suggests that this missense change does not adversely affect protein function. In summary, the available evidence is currently insufficient to determine the role of this variant in disease. Therefore, it has been classified as a Variant of Uncertain Significance.

Fulgent Genetics
Classification: Likely benign for Acrocallosal syndrome; Multiple epiphyseal dysplasia, Al-Gazali type; Hydrolethalus syndrome 2. Last evaluated: 2024-05-06. Review status: criteria provided, single submitter. Criteria: ACMG Guidelines, 2015. Collection method: clinical testing. Allele origin: germline.

GeneDx
Classification: Uncertain significance. Last evaluated: 2024-02-29. Review status: criteria provided, single submitter. Criteria: GeneDx Variant Classification Process June 2021. Collection method: clinical testing. Allele origin: germline. Affected: yes.
Comment: In silico analysis supports that this missense variant does not alter protein structure/function; Has not been previously published as pathogenic or benign to our knowledge

Genetic Services Laboratory, University of Chicago
Classification: Uncertain significance. Last evaluated: 2023-03-09. Review status: criteria provided, single submitter. Criteria: ACMG Guidelines, 2015. Collection method: clinical testing. Allele origin: germline. Affected: no.
Comment: DNA sequence analysis of the KIF7 gene demonstrated a sequence change, c.355A>G, in exon 3 that results in an amino acid change, p.Ile119Val. This sequence change has been described in the gnomAD database with a frequency of 0.11% in the Latino subpopulation (dbSNP rs761226001). The p.Ile119Val change affects a highly conserved amino acid residue located in a domain of the KIF7 protein that is known to be functional. In-silico pathogenicity prediction tools (SIFT, PolyPhen2, Align GVGD, REVEL) provide contradictory results for the p.Ile119Val substitution. This sequence change does not appear to have been previously described in individuals with KIF7-related disorders. Due to insufficient evidence and the lack of functional studies, the clinical significance of the p.Ile119Val change remains unknown at this time.

Blueprint Genetics
Classification: Uncertain significance. Last evaluated: 2022-06-29. Review status: criteria provided, single submitter. Criteria: ACMG Guidelines, 2015. Collection method: clinical testing. Allele origin: germline.

Breakthrough Genomics
Classification: Uncertain significance. Review status: criteria provided, single submitter. Criteria: ACMG Guidelines, 2015. Collection method: not provided. Allele origin: germline. Inheritance: Autosomal recessive inheritance. Affected: yes.